The following is an entry in ClinVar:

ClinVar aggregate classification (germline): Pathogenic (1 of 4 stars; one submission).

Conditions:
DNA ligase IV deficiency. Identifiers: Orphanet 99812, MedGen C1847827, MONDO:0011686, OMIM 606593.

gnomAD v4.1: 1 of 1,614,078 alleles (0.000062%); highest among the groups gnomAD compares: Non-Finnish European, 0.000085%; no homozygotes.

Submission:

Labcorp Genetics (formerly Invitae), Labcorp
Classification: Pathogenic for DNA ligase IV deficiency. Last evaluated: 2024-03-11. Review status: criteria provided, single submitter. Criteria: Invitae Variant Classification Sherloc (09022015). Collection method: clinical testing. Allele origin: germline.
Comment: This sequence change creates a premature translational stop signal (p.Gln787*) in the LIG4 gene. While this is not anticipated to result in nonsense mediated decay, it is expected to disrupt the last 125 amino acid(s) of the LIG4 protein. This variant is not present in population databases (gnomAD no frequency). This variant has not been reported in the literature in individuals affected with LIG4-related conditions. This variant disrupts a region of the LIG4 protein in which other variant(s) (p.Arg814*) have been determined to be pathogenic (PMID: 11779494, 16088910, 24123394, 25239263, 27063650, 27612988). This suggests that this is a clinically significant region of the protein, and that variants that disrupt it are likely to be disease-causing. For these reasons, this variant has been classified as Pathogenic.

Literature cited by the submitters: PubMed 11779494; PubMed 16088910; PubMed 24123394; PubMed 25239263; PubMed 27063650; PubMed 27612988.

NM_206937.2(LIG4):c.2359C>T (p.Gln787Ter)

Gene: LIG4 (DNA ligase 4; minus strand). Cytogenetic location: 13q33.3.
Variant type: single nucleotide variant.
Coding change: c.2359C>T on transcript NM_206937.2 (MANE Select); coding-DNA position 2359, C replaced by T.
Protein change: p.Gln787Ter; replaces glutamine 787 with a stop codon.
Molecular consequence: nonsense.
Genome position (GRCh38, 1-based): chr13:108,208,910, G>A on the plus strand (C>T on the coding strand, the complement: LIG4 is on the minus strand). VCF-style: chr13-108208910-G-A. GRCh37 (hg19) VCF-style: chr13-108861258-G-A.
Other names: c.2359C>T, p.Gln787Ter (NM_001098268.2, NM_001352598.2, NM_001352599.2 and 6 more transcripts); c.2158C>T, p.Gln720Ter (NM_001330595.2); c.2395C>T, p.Gln799Ter (NM_001352604.2); short protein forms Q720*, Q787*, Q799*.
Identifiers: ClinVar variation 3645377 (VCV003645377.2).
Genomic context (GRCh38, chr13:108,208,910, plus strand): 5'-AATCCCAGGAATACCGATATTCTAAATCAGCAATCAGAGAAGCCATTTCTTCAGGAGTCT[G>A]CTCGTTAGAATTTTTAATTCCTGAGAATACTTCCTTCAGTTGGTTCAAGTCTGTATCAAT-3'